The following is an entry in ClinVar:

ClinVar aggregate classification (germline): Likely benign. Review status: criteria provided, multiple submitters, no conflicts (2 of 4 stars). 4 submissions from 4 submitters: Likely benign (4). Last evaluated 2025-11-01.

Conditions:
Cardiovascular phenotype. Identifiers: MedGen CN230736.
Long QT syndrome (LQTS). Identifiers: MedGen C0023976, MeSH D008133, MONDO:0002442. Disease mechanism: loss of function. Inheritance: Various modes of inheritance.

Allele frequency attached by ClinVar (database versions not stated): gnomAD 0.00003; TOPMed 0.00003.
gnomAD v4.1: 37 of 1,614,054 alleles (0.0023%); highest among the groups gnomAD compares: Non-Finnish European, 0.003%; no homozygotes.

Submissions (4):

CeGaT Center for Human Genetics Tuebingen
Classification: Likely benign. Last evaluated: 2025-11-01. Review status: criteria provided, single submitter. Criteria: CeGaT Center For Human Genetics Tuebingen Variant Classification Criteria Version 2. Collection method: clinical testing. Allele origin: germline. Affected: yes. Observed: 1 variant allele.
Comment: AKAP9: BP4, BP7

Labcorp Genetics (formerly Invitae), Labcorp
Classification: Likely benign for Long QT syndrome. Last evaluated: 2024-04-01. Review status: criteria provided, single submitter. Criteria: Invitae Variant Classification Sherloc (09022015). Collection method: clinical testing. Allele origin: germline.

Ambry Genetics
Classification: Likely benign for Cardiovascular phenotype. Last evaluated: 2023-02-16. Review status: criteria provided, single submitter. Criteria: Ambry Variant Classification Scheme 2023. Collection method: clinical testing. Allele origin: germline.

Blueprint Genetics
Classification: Likely benign. Last evaluated: 2020-02-25. Review status: criteria provided, single submitter. Criteria: ACMG Guidelines, 2015. Collection method: clinical testing. Allele origin: germline.

NM_005751.5(AKAP9):c.1269A>G (p.Glu423=)

Gene: AKAP9 (A-kinase anchoring protein 9; plus strand). Cytogenetic location: 7q21.2.
Variant type: single nucleotide variant.
Coding change: c.1269A>G on transcript NM_005751.5 (MANE Select); coding-DNA position 1269, A replaced by G.
Protein change: p.Glu423=; no amino-acid change (glutamic acid 423 retained).
Molecular consequence: synonymous variant.
Genome position (GRCh38, 1-based): chr7:92,001,186, A>G. VCF-style: chr7-92001186-A-G. GRCh37 (hg19) VCF-style: chr7-91630500-A-G.
Other names: c.1269A>G, p.Glu423= (NM_147185.3); c.1269A>G (NM_005751.4).
Identifiers: ClinVar variation 1607895 (VCV001607895.16), dbSNP rs1409141394, ClinGen allele CA456618397.